The following is an entry in ClinVar:

ClinVar aggregate classification (germline): Likely benign (1 of 4 stars; one submission).

Conditions:
SCAPER-related disorder. Also called: SCAPER-related condition.

gnomAD v4.1: 3 of 1,613,878 alleles (0.00019%); highest among the groups gnomAD compares: Admixed American, 0.005%; no homozygotes.

Submission:

PreventionGenetics, part of Exact Sciences
Classification: Likely benign for SCAPER-related condition. Last evaluated: 2024-10-18. Review status: criteria provided, single submitter. Criteria: ACMG Guidelines, 2015. Collection method: clinical testing. Allele origin: germline.
Comment: This variant is classified as likely benign based on ACMG/AMP sequence variant interpretation guidelines (Richards et al. 2015 PMID: 25741868, with internal and published modifications).

NM_020843.4(SCAPER):c.3609T>C (p.Ser1203=)

Gene: SCAPER (S-phase cyclin A associated protein in the ER; minus strand). Cytogenetic location: 15q24.3.
Variant type: single nucleotide variant.
Coding change: c.3609T>C on transcript NM_020843.4 (MANE Select); coding-DNA position 3609, T replaced by C.
Protein change: p.Ser1203=; no amino-acid change (serine 1203 retained).
Molecular consequence: synonymous variant. On other transcripts: non-coding transcript variant (1).
Genome position (GRCh38, 1-based): chr15:76,381,474, A>G on the plus strand (T>C on the coding strand, the complement: SCAPER is on the minus strand). VCF-style: chr15-76381474-A-G. GRCh37 (hg19) VCF-style: chr15-76673815-A-G.
Other names: c.2871T>C, p.Ser957= (NM_001145923.2); c.3627T>C, p.Ser1209= (NM_001353009.2); c.3207T>C, p.Ser1069= (NM_001353010.2, NM_001353012.2); c.3225T>C, p.Ser1075= (NM_001353011.2).
Identifiers: ClinVar variation 4990212 (VCV004990212.1).